The following is an entry in ClinVar:

NM_032444.4(SLX4):c.5186A>C (p.Glu1729Ala)

Gene: SLX4 (SLX4 structure-specific endonuclease subunit; minus strand). Cytogenetic location: 16p13.3.
Variant type: single nucleotide variant.
Coding change: c.5186A>C on transcript NM_032444.4 (MANE Select); coding-DNA position 5186, A replaced by C.
Protein change: p.Glu1729Ala; replaces glutamic acid 1729 with alanine.
Molecular consequence: missense variant.
Genome position (GRCh38, 1-based): chr16:3,582,661, T>G on the plus strand (A>C on the coding strand, the complement: SLX4 is on the minus strand). VCF-style: chr16-3582661-T-G. GRCh37 (hg19) VCF-style: chr16-3632662-T-G.
Other names: short protein forms E1729A.
Identifiers: ClinVar variation 1716551 (VCV001716551.5), dbSNP rs1203040904, ClinGen allele CA394514037.
Genomic context (GRCh38, chr16:3,582,661, plus strand): 5'-GCCTGCACGGCTGCCTGCGAGGCACTGACCTCCCCCTCGCCCTCCTCTTCACCTGCAGAC[T>G]CAAATGCCGCTCCAAACTCACAGGAGGAAGAACTGAAAAGAGCCAGACCAGGACGTTGTG-3'
Protein context (NP_115820.2, residues 1719-1739): SSSCEFGAAF[Glu1729Ala]SAGEEEGEGE

ClinVar aggregate classification (germline): Uncertain significance (1 of 4 stars; one submission).

Conditions:
Fanconi anemia (FA). Also called: Fanconi's anemia. Identifiers: Orphanet 84, MedGen C0015625, MeSH D005199, MONDO:0019391.

Submission:

Labcorp Genetics (formerly Invitae), Labcorp
Classification: Uncertain significance for Fanconi anemia. Last evaluated: 2025-06-12. Review status: criteria provided, single submitter. Criteria: Invitae Variant Classification Sherloc (09022015). Collection method: clinical testing. Allele origin: germline.
Comment: This sequence change replaces glutamic acid, which is acidic and polar, with alanine, which is neutral and non-polar, at codon 1729 of the SLX4 protein (p.Glu1729Ala). This variant is not present in population databases (gnomAD no frequency). This variant has not been reported in the literature in individuals affected with SLX4-related conditions. ClinVar contains an entry for this variant (Variation ID: 1716551). An algorithm developed to predict the effect of missense changes on protein structure and function (PolyPhen-2) suggests that this variant is likely to be disruptive. Algorithms developed to predict the effect of sequence changes on RNA splicing suggest that this variant may create or strengthen a splice site. In summary, the available evidence is currently insufficient to determine the role of this variant in disease. Therefore, it has been classified as a Variant of Uncertain Significance.